The following is an entry in ClinVar:

ClinVar aggregate classification (germline): Uncertain significance (1 of 4 stars; one submission).

Conditions:
Combined immunodeficiency due to ZAP70 deficiency (IMD48). Also called: ZAP70 Deficiency; Immunodeficiency 48. Identifiers: Orphanet 911, MedGen C2931299, MONDO:0010023, OMIM 269840.

Allele frequency attached by ClinVar (database versions not stated): TOPMed below 0.00001; ExAC 0.00001; gnomAD below 0.00001 and 0.00001; gnomAD exomes 0.00001 and 0.00002.
gnomAD v4.1: 27 of 1,613,496 alleles (0.0017%); highest among the groups gnomAD compares: Admixed American, 0.0033%; no homozygotes.

Submission:

Labcorp Genetics (formerly Invitae), Labcorp
Classification: Uncertain significance for Combined immunodeficiency due to ZAP70 deficiency. Last evaluated: 2021-01-19. Review status: criteria provided, single submitter. Criteria: Invitae Variant Classification Sherloc (09022015). Collection method: clinical testing. Allele origin: germline.
Comment: This variant is present in population databases (rs781477800, ExAC 0.002%). This variant has not been reported in the literature in individuals with ZAP70-related conditions. Algorithms developed to predict the effect of missense changes on protein structure and function (SIFT, PolyPhen-2, Align-GVGD) all suggest that this variant is likely to be tolerated, but these predictions have not been confirmed by published functional studies and their clinical significance is uncertain. In summary, the available evidence is currently insufficient to determine the role of this variant in disease. Therefore, it has been classified as a Variant of Uncertain Significance. This sequence change replaces aspartic acid with asparagine at codon 285 of the ZAP70 protein (p.Asp285Asn). The aspartic acid residue is weakly conserved and there is a small physicochemical difference between aspartic acid and asparagine.

NM_001079.4(ZAP70):c.853G>A (p.Asp285Asn)

Gene: ZAP70 (zeta chain of T cell receptor associated protein kinase 70; plus strand). Cytogenetic location: 2q11.2.
Variant type: single nucleotide variant.
Coding change: c.853G>A on transcript NM_001079.4 (MANE Select); coding-DNA position 853, G replaced by A.
Protein change: p.Asp285Asn; replaces aspartic acid 285 with asparagine.
Molecular consequence: missense variant. On other transcripts: 5 prime UTR variant (1).
Genome position (GRCh38, 1-based): chr2:97,733,559, G>A. VCF-style: chr2-97733559-G-A. GRCh37 (hg19) VCF-style: chr2-98350022-G-A.
Other names: c.853G>A, p.Asp285Asn (NM_001378594.1); c.-993G>A (NM_207519.2); short protein forms D285N.
Identifiers: ClinVar variation 847235 (VCV000847235.8), dbSNP rs781477800, ClinGen allele CA1790284.
Genomic context (GRCh38, chr2:97,733,559, plus strand): 5'-GCTGGACGTCCCCAGCTCAGGCCTTGCTGACCCTGTGGCCTTTAGCCTCAGAGACGAATC[G>A]ACACCCTCAACTCAGATGGATACACCCCTGAGCCAGGTGAGCGGGCAGAGGTGGGGACGC-3'
Protein context (NP_001070.2, residues 275-295): STLTHPQRRI[Asp285Asn]TLNSDGYTPE